The following is an entry in ClinVar:

ClinVar aggregate classification (germline): Pathogenic. Review status: criteria provided, multiple submitters, no conflicts (2 of 4 stars). 3 submissions from 3 submitters: Pathogenic (3). Last evaluated 2023-08-10.

Conditions:
Alstrom syndrome (ALMS). Identifiers: Orphanet 64, MedGen C0268425, MONDO:0008763, OMIM 203800.

Submissions (3):

Labcorp Genetics (formerly Invitae), Labcorp
Classification: Pathogenic for Alstrom syndrome. Last evaluated: 2023-08-10. Review status: criteria provided, single submitter. Criteria: Invitae Variant Classification Sherloc (09022015). Collection method: clinical testing. Allele origin: germline.
Comment: This premature translational stop signal has been observed in individual(s) with clinical features of ALMS1-related conditions (PMID: 32531858). For these reasons, this variant has been classified as Pathogenic. ClinVar contains an entry for this variant (Variation ID: 813154). This variant is not present in population databases (gnomAD no frequency). This sequence change creates a premature translational stop signal (p.Gln2597*) in the ALMS1 gene. It is expected to result in an absent or disrupted protein product. Loss-of-function variants in ALMS1 are known to be pathogenic (PMID: 17594715).

Institute of Medical Genetics and Applied Genomics, University Hospital Tübingen
Classification: Pathogenic. Last evaluated: 2021-06-17. Review status: criteria provided, single submitter. Criteria: ACMG Guidelines, 2015. Collection method: clinical testing. Allele origin: germline. Inheritance: Autosomal recessive inheritance. Affected: yes.

Molecular Genetics Laboratory, Institute for Ophthalmic Research
Classification: Pathogenic for Alstrom syndrome. Last evaluated: 2020-01-09. Review status: criteria provided, single submitter. Criteria: ACMG Guidelines, 2015. Collection method: research. Allele origin: germline. Affected: yes.

Literature cited by the submitters: PubMed 32531858 (cited by Labcorp Genetics (formerly Invitae), Labcorp); PubMed 17594715 (cited by Labcorp Genetics (formerly Invitae), Labcorp).

NM_001378454.1(ALMS1):c.7786C>T (p.Gln2596Ter)

Gene: ALMS1 (ALMS1 centrosome and basal body associated protein; plus strand). Cytogenetic location: 2p13.1.
Variant type: single nucleotide variant.
Coding change: c.7786C>T on transcript NM_001378454.1 (MANE Select); coding-DNA position 7786, C replaced by T.
Protein change: p.Gln2596Ter; replaces glutamine 2596 with a stop codon.
Molecular consequence: nonsense.
Genome position (GRCh38, 1-based): chr2:73,489,745, C>T. VCF-style: chr2-73489745-C-T. GRCh37 (hg19) VCF-style: chr2-73716872-C-T.
Other names: c.7789C>T, p.Gln2597Ter (NM_015120.4); short protein forms Q2597*, Q2596*.
Identifiers: ClinVar variation 813154 (VCV000813154.6), dbSNP rs1672934629, ClinGen allele CA347264063.